The following is an entry in ClinVar:

ClinVar aggregate classification (germline): Uncertain significance. Review status: criteria provided, multiple submitters, no conflicts (2 of 4 stars). 2 submissions from 2 submitters: Uncertain significance (2). Last evaluated 2025-11-10.

Conditions:
Mitochondrial DNA depletion syndrome 9 (MTDPS9). Also called: SUCLG1-Related Mitochondrial DNA Depletion Syndrome, Encephalomyopathic Form with Methylmalonic Aciduria. Identifiers: Orphanet 17, MedGen C3151476, MONDO:0009504, OMIM 245400.

Submissions (2):

Labcorp Genetics (formerly Invitae), Labcorp
Classification: Uncertain significance for Mitochondrial DNA depletion syndrome 9. Last evaluated: 2025-11-10. Review status: criteria provided, single submitter. Criteria: Invitae Variant Classification Sherloc (09022015). Collection method: clinical testing. Allele origin: germline.
Comment: This sequence change replaces proline, which is neutral and non-polar, with asparagine, which is neutral and polar, at codon 178 of the SUCLG1 protein (p.Pro178Asn). This variant is present in population databases (no rsID available, gnomAD 0.0008%). This variant has not been reported in the literature in individuals affected with SUCLG1-related conditions. ClinVar contains an entry for this variant (Variation ID: 1030715). An algorithm developed to predict the effect of missense changes on protein structure and function (PolyPhen-2) suggests that this variant is likely to be disruptive. In summary, the available evidence is currently insufficient to determine the role of this variant in disease. Therefore, it has been classified as a Variant of Uncertain Significance.

Baylor Genetics
Classification: Uncertain significance for Mitochondrial DNA depletion syndrome 9. Last evaluated: 2020-07-24. Review status: criteria provided, single submitter. Criteria: ACMG Guidelines, 2015. Collection method: clinical testing. Allele origin: unknown. Affected: yes.
Comment: This variant was determined to be of uncertain significance according to ACMG Guidelines, 2015 [PMID:25741868].

NM_003849.4(SUCLG1):c.532_533delinsAA (p.Pro178Asn)

Gene: SUCLG1 (succinate-CoA ligase GDP/ADP-forming subunit alpha; minus strand). Cytogenetic location: 2p11.2.
Variant type: Indel.
Coding change: c.532_533delinsAA on transcript NM_003849.4 (MANE Select); coding-DNA positions 532 to 533, CC replaced by AA.
Protein change: p.Pro178Asn; replaces proline 178 with asparagine.
Molecular consequence: missense variant.
Genome position (GRCh38, 1-based): chr2:84,441,103-84,441,104, GG replaced by TT on the plus strand (CC replaced by AA on the coding strand, the reverse complement: SUCLG1 is on the minus strand). VCF-style: chr2-84441103-GG-TT. GRCh37 (hg19) VCF-style: chr2-84668227-GG-TT.
Other names: short protein forms P178N.
Identifiers: ClinVar variation 1030715 (VCV001030715.5), dbSNP rs1672764673, ClinGen allele CA1266321646.